The following is an entry in ClinVar:

ClinVar aggregate classification (germline): Conflicting classifications of pathogenicity. Review status: criteria provided, conflicting classifications (1 of 4 stars). 3 submissions from 3 submitters: Uncertain significance (2); Benign (1). Last evaluated 2025-03-26.

Conditions:
Tuberous sclerosis 2 (TSC2). Identifiers: Orphanet 805, MedGen C1860707, MONDO:0013199, OMIM 613254.
Isolated focal cortical dysplasia type II (FCORD2). Also called: Focal cortical dysplasia type II; CORTICAL DYSPLASIA OF TAYLOR. Identifiers: Orphanet 268994, MedGen C1846385, MONDO:0011818, OMIM 607341, HP:0032051.
Lymphangiomyomatosis (LAM). Also called: Lymphangioleiomyomatosis; Lymphangioleiomyomatosis, somatic. Identifiers: Orphanet 538, MedGen C0751674, MONDO:0011705, OMIM 606690.
Hereditary cancer-predisposing syndrome. Also called: Tumor predisposition; Hereditary neoplastic syndrome; Neoplastic Syndromes, Hereditary; Hereditary Cancer Syndrome. Identifiers: Orphanet 140162, MedGen C0027672, MeSH D009386, MONDO:0015356.

Allele frequency attached by ClinVar (database versions not stated): gnomAD exomes below 0.00001; ExAC 0.00001; ESP Exome Variant Server 0.00008.
gnomAD v4.1: 1 of 1,613,142 alleles (0.000062%); highest among the groups gnomAD compares: Non-Finnish European, 0.000085%; no homozygotes.

Submissions (3):

Labcorp Genetics (formerly Invitae), Labcorp
Classification: Benign for Tuberous sclerosis 2. Last evaluated: 2025-03-26. Review status: criteria provided, single submitter. Criteria: Invitae Variant Classification Sherloc (09022015). Collection method: clinical testing. Allele origin: germline.

Ambry Genetics
Classification: Uncertain significance for Hereditary cancer-predisposing syndrome. Last evaluated: 2024-10-16. Review status: criteria provided, single submitter. Criteria: Ambry Variant Classification Scheme 2023. Collection method: clinical testing. Allele origin: germline.
Comment: The p.P962L variant (also known as c.2885C>T), located in coding exon 25 of the TSC2 gene, results from a C to T substitution at nucleotide position 2885. The proline at codon 962 is replaced by leucine, an amino acid with similar properties. This amino acid position is highly conserved in available vertebrate species. In addition, the in silico prediction for this alteration is inconclusive. Based on the available evidence, the clinical significance of this variant remains unclear.

Fulgent Genetics
Classification: Uncertain significance for Lymphangiomyomatosis; Isolated focal cortical dysplasia type II; Tuberous sclerosis 2. Last evaluated: 2021-07-15. Review status: criteria provided, single submitter. Criteria: ACMG Guidelines, 2015. Collection method: clinical testing. Allele origin: unknown.

NM_000548.5(TSC2):c.2885C>T (p.Pro962Leu)

Gene: TSC2 (TSC complex subunit 2; plus strand). Cytogenetic location: 16p13.3.
Variant type: single nucleotide variant.
Coding change: c.2885C>T on transcript NM_000548.5 (MANE Select); coding-DNA position 2885, C replaced by T.
Protein change: p.Pro962Leu; replaces proline 962 with leucine.
Molecular consequence: missense variant. On other transcripts: intron variant (9).
Genome position (GRCh38, 1-based): chr16:2,077,645, C>T. VCF-style: chr16-2077645-C-T. GRCh37 (hg19) VCF-style: chr16-2127646-C-T.
Other names: c.2885C>T, p.Pro962Leu (NM_001114382.3); c.2837+1060C>T (NM_021055.3, NM_001370405.1, NM_001363528.2 and 2 more transcripts); c.2690+1060C>T (NM_001318829.2); c.2870+1060C>T (NM_001318832.2); c.2726+1060C>T (NM_001318827.2); c.2237+1060C>T (NM_001318831.2); short protein forms P962L.
Identifiers: ClinVar variation 1504566 (VCV001504566.10), dbSNP rs367640434, ClinGen allele CA042556.